The following is an entry in ClinVar:

NC_000013.11:g.52011762C>T

Genes: ATP7B (ATPase copper transporting beta; minus strand), LOC130009838 (ATAC-STARR-seq lymphoblastoid silent region 5378; plus strand). Cytogenetic location: 13q14.3.
Variant type: single nucleotide variant.
Molecular consequence: 5 prime UTR variant (on NM_001406512.1). On other transcripts: intron variant (9).
Genome position: GRCh38 VCF-style: chr13-52011762-C-T. GRCh37 (hg19) VCF-style: chr13-52585898-C-T.
Other names: c.-160G>A (NM_001406512.1, NM_001406516.1, NM_001406522.1); c.-344G>A (NM_001406532.1); c.-55+258G>A (NM_001406541.1, NM_001406531.1, NM_001406527.1 and 4 more transcripts); c.-184+258G>A (NM_001406543.1); c.-238-187G>A (NM_001406528.1).
Identifiers: ClinVar variation 1897551 (VCV001897551.2), dbSNP rs2547327912, ClinGen allele CA2546295599.

ClinVar aggregate classification (germline): Uncertain significance (1 of 4 stars; one submission).

Conditions:
Wilson disease (WND). Also called: Wilson's disease. Identifiers: Orphanet 905, MedGen C0019202, MONDO:0010200, OMIM 277900. Disease mechanism: loss of function.

Submission:

Labcorp Genetics (formerly Invitae), Labcorp
Classification: Uncertain significance for Wilson disease. Last evaluated: 2021-06-20. Review status: criteria provided, single submitter. Criteria: Invitae Variant Classification Sherloc (09022015). Collection method: clinical testing. Allele origin: germline.
Comment: This variant occurs in a non-coding region of the ATP7B gene. It does not change the encoded amino acid sequence of the ATP7B protein. The frequency data for this variant in the population databases is considered unreliable, as metrics indicate insufficient coverage at this position in the ExAC database. This variant has not been reported in the literature in individuals with ATP7B-related conditions. Experimental studies and prediction algorithms are not available or were not evaluated, and the functional significance of this variant is currently unknown. In summary, the available evidence is currently insufficient to determine the role of this variant in disease. Therefore, it has been classified as a Variant of Uncertain Significance.